The following is an entry in ClinVar:

ClinVar aggregate classification (germline): Likely pathogenic. Review status: criteria provided, multiple submitters, no conflicts (2 of 4 stars). 3 submissions from 3 submitters: Likely pathogenic (2). 1 of the submissions does not count toward it. Last evaluated 2023-07-26.

Conditions:
LAMA2-related muscular dystrophy (LAMA2-RD). Also called: Laminin alpha 2-related dystrophy. Identifiers: MedGen C5679788, MONDO:0100228.
Merosin deficient congenital muscular dystrophy (MDC1A). Also called: Congenital Muscular Dystrophy Type 1A (MDC1A); Congenital merosin-deficient muscular dystrophy 1A. Identifiers: Orphanet 258, MedGen C1263858, MONDO:0011925, OMIM 607855.

Allele frequency attached by ClinVar (database versions not stated): gnomAD exomes below 0.00001.
gnomAD v4.1: 2 of 1,613,644 alleles (0.00012%); highest among the groups gnomAD compares: Non-Finnish European, 0.00017%; no homozygotes.

Submissions (3):

Baylor Genetics
Classification: Likely pathogenic for Merosin deficient congenital muscular dystrophy. Last evaluated: 2023-07-26. Review status: criteria provided, single submitter. Criteria: ACMG Guidelines, 2015. Collection method: clinical testing. Allele origin: unknown.

Labcorp Genetics (formerly Invitae), Labcorp
Classification: Likely pathogenic for LAMA2-related muscular dystrophy. Last evaluated: 2021-03-31. Review status: criteria provided, single submitter. Criteria: Invitae Variant Classification Sherloc (09022015). Collection method: clinical testing. Allele origin: germline.
Comment: In summary, the currently available evidence indicates that the variant is pathogenic, but additional data are needed to prove that conclusively. Therefore, this variant has been classified as Likely Pathogenic. Algorithms developed to predict the effect of sequence changes on RNA splicing suggest that this variant may disrupt the consensus splice site, but this prediction has not been confirmed by published transcriptional studies. This variant has not been reported in the literature in individuals with LAMA2-related conditions. ClinVar contains an entry for this variant (Variation ID: 555690). This variant is not present in population databases (ExAC no frequency). This sequence change affects an acceptor splice site in intron 57 of the LAMA2 gene. It is expected to disrupt RNA splicing. Variants that disrupt the donor or acceptor splice site typically lead to a loss of protein function (PMID: 16199547), and loss-of-function variants in LAMA2 are known to be pathogenic (PMID: 18700894).

Counsyl
Classification: Likely pathogenic for Merosin deficient congenital muscular dystrophy. Last evaluated: 2017-12-24. Review status: no assertion criteria provided. Collection method: clinical testing. Allele origin: unknown. Not counted in ClinVar's aggregate classification.

Literature cited by the submitters: PubMed 16199547 (cited by Labcorp Genetics (formerly Invitae), Labcorp); PubMed 18700894 (cited by Labcorp Genetics (formerly Invitae), Labcorp).

NM_000426.4(LAMA2):c.8076-1G>A

Gene: LAMA2 (laminin subunit alpha 2; plus strand). Cytogenetic location: 6q22.33.
Variant type: single nucleotide variant.
Coding change: c.8076-1G>A on transcript NM_000426.4 (MANE Select); the canonical splice acceptor site of the intron before coding-DNA position 8076, G replaced by A.
Molecular consequence: splice acceptor variant.
Genome position (GRCh38, 1-based): chr6:129,492,314, G>A. VCF-style: chr6-129492314-G-A. GRCh37 (hg19) VCF-style: chr6-129813459-G-A.
Other names: c.8064-1G>A (NM_001079823.2).
Identifiers: ClinVar variation 555690 (VCV000555690.11), dbSNP rs1554310169, ClinGen allele CA365631258.